The following is an entry in ClinVar:

NM_001025295.3(IFITM5):c.176A>G (p.Tyr59Cys)

Gene: IFITM5 (interferon induced transmembrane protein 5; minus strand). Cytogenetic location: 11p15.5.
Variant type: single nucleotide variant.
Coding change: c.176A>G on transcript NM_001025295.3 (MANE Select); coding-DNA position 176, A replaced by G.
Protein change: p.Tyr59Cys; replaces tyrosine 59 with cysteine.
Molecular consequence: missense variant.
Genome position (GRCh38, 1-based): chr11:299,315, T>C on the plus strand (A>G on the coding strand, the complement: IFITM5 is on the minus strand). VCF-style: chr11-299315-T-C. GRCh37 (hg19) VCF-style: chr11-299315-T-C.
Other names: short protein forms Y59C.
Identifiers: ClinVar variation 1956590 (VCV001956590.5), dbSNP rs770628336, ClinGen allele CA5773471.

ClinVar aggregate classification (germline): Uncertain significance (1 of 4 stars; one submission).

Allele frequency attached by ClinVar (database versions not stated): gnomAD 0.00002; TOPMed 0.00003; gnomAD exomes below 0.00001; ExAC 0.00002.

Submission:

Labcorp Genetics (formerly Invitae), Labcorp
Classification: Uncertain significance. Last evaluated: 2025-03-31. Review status: criteria provided, single submitter. Criteria: Invitae Variant Classification Sherloc (09022015). Collection method: clinical testing. Allele origin: germline.
Comment: This sequence change replaces tyrosine, which is neutral and polar, with cysteine, which is neutral and slightly polar, at codon 59 of the IFITM5 protein (p.Tyr59Cys). The frequency data for this variant in the population databases is considered unreliable, as metrics indicate poor data quality at this position in the gnomAD database. This variant has not been reported in the literature in individuals affected with IFITM5-related conditions. ClinVar contains an entry for this variant (Variation ID: 1956590). An algorithm developed to predict the effect of missense changes on protein structure and function (PolyPhen-2) suggests that this variant is likely to be tolerated. In summary, the available evidence is currently insufficient to determine the role of this variant in disease. Therefore, it has been classified as a Variant of Uncertain Significance.